The following is an entry in ClinVar:

NM_001364857.2(ADGRB2):c.4322G>A (p.Arg1441His)

Gene: ADGRB2 (adhesion G protein-coupled receptor B2; minus strand). Cytogenetic location: 1p35.2.
Variant type: single nucleotide variant.
Coding change: c.4322G>A on transcript NM_001364857.2 (MANE Select); coding-DNA position 4322, G replaced by A.
Protein change: p.Arg1441His; replaces arginine 1441 with histidine.
Molecular consequence: missense variant.
Genome position (GRCh38, 1-based): chr1:31,730,858, C>T on the plus strand (G>A on the coding strand, the complement: ADGRB2 is on the minus strand). VCF-style: chr1-31730858-C-T. GRCh37 (hg19) VCF-style: chr1-32196459-C-T.
Other names: c.4322G>A, p.Arg1441His (NM_001294335.2, NM_001703.2); c.4223G>A, p.Arg1408His (NM_001294336.2); short protein forms R1441H, R1408H.
Identifiers: ClinVar variation 2264033 (VCV002264033.4), dbSNP rs1451727282, ClinGen allele CA339596517.

ClinVar aggregate classification (germline): Uncertain significance. Review status: criteria provided, multiple submitters, no conflicts (2 of 4 stars). 2 submissions from 2 submitters: Uncertain significance (2). Last evaluated 2024-08-12.

Allele frequency attached by ClinVar (database versions not stated): gnomAD exomes below 0.00001; TOPMed below 0.00001; gnomAD 0.00001.
gnomAD v4.1: 4 of 1,543,492 alleles (0.00026%); highest among the groups gnomAD compares: Admixed American, 0.0021%; no homozygotes.

Submissions (2):

Labcorp Genetics (formerly Invitae), Labcorp
Classification: Uncertain significance. Last evaluated: 2024-08-12. Review status: criteria provided, single submitter. Criteria: Invitae Variant Classification Sherloc (09022015). Collection method: clinical testing. Allele origin: germline.
Comment: This sequence change replaces arginine, which is basic and polar, with histidine, which is basic and polar, at codon 1408 of the ADGRB2 protein (p.Arg1408His). This variant is not present in population databases (gnomAD no frequency). This variant has not been reported in the literature in individuals affected with ADGRB2-related conditions. ClinVar contains an entry for this variant (Variation ID: 2264033). An algorithm developed to predict the effect of missense changes on protein structure and function (PolyPhen-2) suggests that this variant is likely to be disruptive. In summary, the available evidence is currently insufficient to determine the role of this variant in disease. Therefore, it has been classified as a Variant of Uncertain Significance.

Ambry Genetics
Classification: Uncertain significance. Last evaluated: 2021-12-03. Review status: criteria provided, single submitter. Criteria: Ambry Variant Classification Scheme 2023. Collection method: clinical testing. Allele origin: germline.